The following is an entry in ClinVar:

ClinVar aggregate classification (germline): Likely pathogenic. Review status: reviewed by expert panel (3 of 4 stars). 3 submissions from 3 submitters: Likely pathogenic (1). 2 of the submissions do not count toward it. Last evaluated 2019-06-21.

Conditions:
Lynch syndrome 4 (LYNCH4). Also called: Colorectal cancer, hereditary nonpolyposis, type 4; Hereditary non-polyposis colorectal cancer, type 4. Identifiers: Orphanet 144, MedGen C1838333, MONDO:0013699, OMIM 614337. Disease mechanism: loss of function.
Lynch syndrome. Identifiers: Orphanet 144, MedGen C4552100, MONDO:0005835. Disease mechanism: loss of function.

Submissions (3):

International Society for Gastrointestinal Hereditary Tumours (InSiGHT)
Classification: Likely pathogenic for Lynch syndrome. Last evaluated: 2019-06-21. Review status: reviewed by expert panel. Criteria: Guidelines v2.4. Collection method: curation. Allele origin: germline. Affected: yes.
Comment: Interrupts canonical donor splice site

Myriad Genetics, Inc.
Classification: Likely pathogenic for Lynch syndrome 4. Last evaluated: 2023-09-20. Review status: criteria provided, single submitter. Criteria: Myriad Autosomal Dominant, Autosomal Recessive and X-Linked Classification Criteria (2023). Collection method: clinical testing. Allele origin: unknown. Not counted in ClinVar's aggregate classification.
Comment: This variant is considered likely pathogenic. This variant occurs within a consensus splice junction and is predicted to result in abnormal mRNA splicing of either an out-of-frame exon or an in-frame exon necessary for protein stability and/or normal function.

OMIM
Classification: Pathogenic for LYNCH SYNDROME 4. Last evaluated: 2006-02-01. Review status: no assertion criteria provided. Collection method: literature only. Allele origin: germline. Not counted in ClinVar's aggregate classification.

Literature cited by the submitters: PubMed 16472587 (cited by OMIM).

NM_000535.7(PMS2):c.1144+2T>A

Gene: PMS2 (PMS1 homolog 2, mismatch repair system component; minus strand). Cytogenetic location: 7p22.1.
Variant type: single nucleotide variant.
Coding change: c.1144+2T>A on transcript NM_000535.7 (MANE Select); the canonical splice donor site of the intron after coding-DNA position 1144, T replaced by A.
Molecular consequence: splice donor variant. On other transcripts: intron variant (10).
Genome position (GRCh38, 1-based): chr7:5,989,798, A>T on the plus strand (T>A on the coding strand, the complement: PMS2 is on the minus strand). VCF-style: chr7-5989798-A-T. GRCh37 (hg19) VCF-style: chr7-6029429-A-T.
Other names: IVS10, T-A, +2; c.826+2T>A (NM_001322008.2, NM_001406883.1, NM_001406903.1 and 2 more transcripts); c.835+2T>A (NM_001406881.1, NM_001406879.1, NM_001322015.2 and 5 more transcripts); c.739+2T>A (NM_001406895.1, NM_001322004.2, NM_001406889.1 and 16 more transcripts); c.373+2T>A (NM_001406911.1); c.583+2175T>A (NM_001322010.2, NM_001406906.1, NM_001406907.1); c.670+2175T>A (NM_001406902.1, NM_001406901.1); c.631+2T>A (NM_001406904.1, NM_001406905.1); and 14 more.
Identifiers: ClinVar variation 91291 (VCV000091291.4), dbSNP rs267608158, ClinGen allele CA009239.